The following is an entry in ClinVar:

NM_178171.5(GSDMA):c.336T>C (p.Thr112=)

Gene: GSDMA (gasdermin A; plus strand). Cytogenetic location: 17q21.1.
Variant type: single nucleotide variant.
Coding change: c.336T>C on transcript NM_178171.5 (MANE Select); coding-DNA position 336, T replaced by C.
Protein change: p.Thr112=; no amino-acid change (threonine 112 retained).
Molecular consequence: synonymous variant.
Genome position (GRCh38, 1-based): chr17:39,966,381, T>C. VCF-style: chr17-39966381-T-C. GRCh37 (hg19) VCF-style: chr17-38122634-T-C.
Identifiers: ClinVar variation 2647730 (VCV002647730.24), dbSNP rs1979665661, ClinGen allele CA499927868.
Genomic context (GRCh38, chr17:39,966,381, plus strand): 5'-TGTGGATGTACCAAAGACGGTGAAGGTGAAGGGAACGGCAGGGCTCTCGCAGAACAGCAC[T>C]CTGGAGGTCCAGACACTCAGTGTGGCTCCCAAGGCCCTGGAGACCGTGCAGGAGAGGTGA-3'
Protein context (NP_835465.2, residues 102-122): KGTAGLSQNS[Thr112=]LEVQTLSVAP

ClinVar aggregate classification (germline): Likely benign (1 of 4 stars; one submission).

Allele frequency attached by ClinVar (database versions not stated): gnomAD exomes below 0.00001; gnomAD 0.00001.
gnomAD v4.1: 3 of 1,613,488 alleles (0.00019%); highest among the groups gnomAD compares: African/African-American, 0.004%; no homozygotes.

Submission:

CeGaT Center for Human Genetics Tuebingen
Classification: Likely benign. Last evaluated: 2023-02-01. Review status: criteria provided, single submitter. Criteria: CeGaT Center For Human Genetics Tuebingen Variant Classification Criteria Version 2. Collection method: clinical testing. Allele origin: germline. Affected: yes. Observed: 1 variant allele.
Comment: GSDMA: BP4, BP7